The following is an entry in ClinVar:

NM_020937.4(FANCM):c.1575A>T (p.Gln525His)

Gene: FANCM (FA complementation group M; plus strand). Cytogenetic location: 14q21.2.
Variant type: single nucleotide variant.
Coding change: c.1575A>T on transcript NM_020937.4 (MANE Select); coding-DNA position 1575, A replaced by T.
Protein change: p.Gln525His; replaces glutamine 525 with histidine.
Molecular consequence: missense variant.
Genome position (GRCh38, 1-based): chr14:45,159,274, A>T. VCF-style: chr14-45159274-A-T. GRCh37 (hg19) VCF-style: chr14-45628477-A-T.
Other names: c.1497A>T, p.Gln499His (NM_001308133.2); c.1575A>T, p.Gln525His (NM_001308134.2); short protein forms Q499H, Q525H.
Identifiers: ClinVar variation 4619504 (VCV004619504.1).

ClinVar aggregate classification (germline): Uncertain significance (1 of 4 stars; one submission).

Conditions:
Inborn genetic diseases. Identifiers: MedGen C0950123, MeSH D030342.

Submission:

Ambry Genetics
Classification: Uncertain significance for Inborn genetic diseases. Last evaluated: 2025-10-22. Review status: criteria provided, single submitter. Criteria: Ambry Variant Classification Scheme 2023. Collection method: clinical testing. Allele origin: germline.
Comment: The p.Q525H variant (also known as c.1575A>T), located in coding exon 9 of the FANCM gene, results from an A to T substitution at nucleotide position 1575. The glutamine at codon 525 is replaced by histidine, an amino acid with highly similar properties. This amino acid position is conserved. In addition, the in silico prediction for this alteration is inconclusive. Based on the available evidence, the clinical significance of this variant remains unclear.